The following is an entry in ClinVar:

NM_002470.4(MYH3):c.2755A>G (p.Lys919Glu)

Gene: MYH3 (myosin heavy chain 3; minus strand). Cytogenetic location: 17p13.1.
Variant type: single nucleotide variant.
Coding change: c.2755A>G on transcript NM_002470.4 (MANE Select); coding-DNA position 2755, A replaced by G.
Protein change: p.Lys919Glu; replaces lysine 919 with glutamic acid.
Molecular consequence: missense variant.
Genome position (GRCh38, 1-based): chr17:10,639,730, T>C on the plus strand (A>G on the coding strand, the complement: MYH3 is on the minus strand). VCF-style: chr17-10639730-T-C. GRCh37 (hg19) VCF-style: chr17-10543047-T-C.
Other names: c.2755A>G (NM_002470.3); short protein forms K919E.
Identifiers: ClinVar variation 2166193 (VCV002166193.5), dbSNP rs2508599246, ClinGen allele CA398160176.

ClinVar aggregate classification (germline): Uncertain significance. Review status: criteria provided, multiple submitters, no conflicts (2 of 4 stars). 2 submissions from 2 submitters: Uncertain significance (2). Last evaluated 2024-06-30.

Conditions:
Inborn genetic diseases. Identifiers: MedGen C0950123, MeSH D030342.

Allele frequency attached by ClinVar (database versions not stated): gnomAD exomes below 0.00001.
gnomAD v4.1: 1 of 1,614,112 alleles (0.000062%); highest among the groups gnomAD compares: Non-Finnish European, 0.000085%; no homozygotes.

Submissions (2):

Ambry Genetics
Classification: Uncertain significance for Inborn genetic diseases. Last evaluated: 2024-06-30. Review status: criteria provided, single submitter. Criteria: Ambry Variant Classification Scheme 2023. Collection method: clinical testing. Allele origin: germline.

Labcorp Genetics (formerly Invitae), Labcorp
Classification: Uncertain significance. Last evaluated: 2023-12-09. Review status: criteria provided, single submitter. Criteria: Invitae Variant Classification Sherloc (09022015). Collection method: clinical testing. Allele origin: germline.
Comment: This sequence change replaces lysine, which is basic and polar, with glutamic acid, which is acidic and polar, at codon 919 of the MYH3 protein (p.Lys919Glu). This variant is not present in population databases (gnomAD no frequency). This variant has not been reported in the literature in individuals affected with MYH3-related conditions. ClinVar contains an entry for this variant (Variation ID: 2166193). Advanced modeling of protein sequence and biophysical properties (such as structural, functional, and spatial information, amino acid conservation, physicochemical variation, residue mobility, and thermodynamic stability) performed at Invitae indicates that this missense variant is not expected to disrupt MYH3 protein function with a negative predictive value of 95%. In summary, the available evidence is currently insufficient to determine the role of this variant in disease. Therefore, it has been classified as a Variant of Uncertain Significance.